The following is an entry in ClinVar:

NM_006432.5(NPC2):c.38T>C (p.Leu13Pro)

Gene: NPC2 (NPC intracellular cholesterol transporter 2; minus strand). Cytogenetic location: 14q24.3.
Variant type: single nucleotide variant.
Coding change: c.38T>C on transcript NM_006432.5 (MANE Select); coding-DNA position 38, T replaced by C.
Protein change: p.Leu13Pro; replaces leucine 13 with proline.
Molecular consequence: missense variant.
Genome position (GRCh38, 1-based): chr14:74,493,237, A>G on the plus strand (T>C on the coding strand, the complement: NPC2 is on the minus strand). VCF-style: chr14-74493237-A-G. GRCh37 (hg19) VCF-style: chr14-74959940-A-G.
Other names: c.38T>C, p.Leu13Pro (NM_001363688.1, NM_001375440.1); c.38T>C (NM_006432.3); short protein forms L13P.
Identifiers: ClinVar variation 1496159 (VCV001496159.8), dbSNP rs147602717, ClinGen allele CA7268216.

ClinVar aggregate classification (germline): Uncertain significance. Review status: criteria provided, multiple submitters, no conflicts (2 of 4 stars). 3 submissions from 3 submitters: Uncertain significance (3). Last evaluated 2026-08-26.

Conditions:
NPC2-related disorder. Also called: NPC2-related condition.
Niemann-Pick disease, type C2 (NPC2). Identifiers: Orphanet 646, MedGen C1843366, MONDO:0011873, OMIM 607625.

Allele frequency attached by ClinVar (database versions not stated): gnomAD 0.00007 and 0.00008; TOPMed 0.00008; gnomAD exomes 0.00009 and 0.00017; ExAC 0.00014; ESP Exome Variant Server 0.00031.
gnomAD v4.1: 254 of 1,613,050 alleles (0.016%); highest among the groups gnomAD compares: Non-Finnish European, 0.02%; no homozygotes.

Submissions (3):

GeneDx
Classification: Uncertain significance. Last evaluated: 2026-08-26. Review status: criteria provided, single submitter. Criteria: GeneDx Variant Classification Process June 2021. Collection method: clinical testing. Allele origin: germline.
Comment: In silico analysis supports that this missense variant has a deleterious effect on protein structure/function; Has not been previously published as pathogenic or benign to our knowledge

Labcorp Genetics (formerly Invitae), Labcorp
Classification: Uncertain significance for Niemann-Pick disease, type C2. Last evaluated: 2026-01-12. Review status: criteria provided, single submitter. Criteria: Invitae Variant Classification Sherloc (09022015). Collection method: clinical testing. Allele origin: germline.
Comment: This sequence change replaces leucine, which is neutral and non-polar, with proline, which is neutral and non-polar, at codon 13 of the NPC2 protein (p.Leu13Pro). This variant is present in population databases (rs147602717, gnomAD 0.02%). This variant has not been reported in the literature in individuals affected with NPC2-related conditions. ClinVar contains an entry for this variant (Variation ID: 1496159). An algorithm developed to predict the effect of missense changes on protein structure and function (PolyPhen-2) suggests that this variant is likely to be disruptive. In summary, the available evidence is currently insufficient to determine the role of this variant in disease. Therefore, it has been classified as a Variant of Uncertain Significance.

PreventionGenetics, part of Exact Sciences
Classification: Uncertain significance for NPC2-related condition. Last evaluated: 2025-10-28. Review status: criteria provided, single submitter. Criteria: ACMG Guidelines, 2015. Collection method: clinical testing. Allele origin: germline.
Comment: The NPC2 c.38T>C variant is predicted to result in the amino acid substitution p.Leu13Pro. To our knowledge, this variant has not been reported in the literature. This variant is reported in 0.017% of alleles in individuals of European (Non-Finnish) descent in gnomAD. At this time, the clinical significance of this variant is uncertain due to the absence of conclusive functional and genetic evidence.